The following is an entry in ClinVar:

NM_004991.4(MECOM):c.747A>C (p.Lys249Asn)

Gene: MECOM (MDS1 and EVI1 complex locus; minus strand). Cytogenetic location: 3q26.2.
Variant type: single nucleotide variant.
Coding change: c.747A>C on transcript NM_004991.4 (MANE Select); coding-DNA position 747, A replaced by C.
Protein change: p.Lys249Asn; replaces lysine 249 with asparagine.
Molecular consequence: missense variant.
Genome position (GRCh38, 1-based): chr3:169,127,927, T>G on the plus strand (A>C on the coding strand, the complement: MECOM is on the minus strand). VCF-style: chr3-169127927-T-G. GRCh37 (hg19) VCF-style: chr3-168845715-T-G.
Other names: c.375A>C, p.Lys125Asn (NM_001105077.4); c.183A>C, p.Lys61Asn (NM_001105078.4, NM_001163999.2, NM_001164000.2 and 9 more transcripts); c.747A>C, p.Lys249Asn (NM_001366466.2, NM_001366473.2); short protein forms K249N, K61N, K125N.
Identifiers: ClinVar variation 4826713 (VCV004826713.1).

ClinVar aggregate classification (germline): Uncertain significance (1 of 4 stars; one submission).

Conditions:
Inborn genetic diseases. Identifiers: MedGen C0950123, MeSH D030342.

gnomAD v4.1: 1 of 1,613,964 alleles (0.000062%); highest among the groups gnomAD compares: Non-Finnish European, 0.000085%; no homozygotes.

Submission:

Ambry Genetics
Classification: Uncertain significance for Inborn genetic diseases. Last evaluated: 2026-03-06. Review status: criteria provided, single submitter. Criteria: Ambry Variant Classification Scheme 2023. Collection method: clinical testing. Allele origin: germline.
Comment: The p.K249N variant (also known as c.747A>C), located in coding exon 5 of the MECOM gene, results from an A to C substitution at nucleotide position 747. The lysine at codon 249 is replaced by asparagine, an amino acid with similar properties. This amino acid position is conserved. In addition, this alteration is predicted to be tolerated by in silico analysis. Based on the available evidence, the clinical significance of this variant remains unclear.